The following is an entry in ClinVar:

NM_002137.4(HNRNPA2B1):c.655T>A (p.Ser219Thr)

Gene: HNRNPA2B1 (heterogeneous nuclear ribonucleoprotein A2/B1; minus strand). Cytogenetic location: 7p15.2.
Variant type: single nucleotide variant.
Coding change: c.655T>A on transcript NM_002137.4 (MANE Select); coding-DNA position 655, T replaced by A.
Protein change: p.Ser219Thr; replaces serine 219 with threonine.
Molecular consequence: missense variant.
Genome position (GRCh38, 1-based): chr7:26,196,404, A>T on the plus strand (T>A on the coding strand, the complement: HNRNPA2B1 is on the minus strand). VCF-style: chr7-26196404-A-T. GRCh37 (hg19) VCF-style: chr7-26236024-A-T.
Other names: c.655T>A, p.Ser219Thr (NM_001438063.1, NM_001438571.1, NM_001438572.1 and 4 more transcripts); c.691T>A, p.Ser231Thr (NM_001438568.1, NM_001438569.1, NM_001438570.1 and 3 more transcripts); short protein forms S231T, S219T.
Identifiers: ClinVar variation 4767429 (VCV004767429.1).
Genomic context (GRCh38, chr7:26,196,404, plus strand): 5'-ATCATATTTAAAATAAAAGCACACTCATCCTTTAAACACGTAGAACTTGAAACTCACCAG[A>T]TCCTCCTCTAAAGTTACTTCCTGGTCCTGGTCCGAAATTTCCACCGCCACCACGTGAATC-3'
Protein context (NP_002128.1, residues 209-229): PGPGSNFRGG[Ser219Thr]DGYGSGRGFG

ClinVar aggregate classification (germline): Uncertain significance (1 of 4 stars; one submission).

Conditions:
Inclusion body myopathy with early-onset Paget disease with or without frontotemporal dementia 2 (IBMPFD2). Also called: MULTISYSTEM PROTEINOPATHY 2. Identifiers: MedGen C3809468, MONDO:0014178, OMIM 615422.

Submission:

Labcorp Genetics (formerly Invitae), Labcorp
Classification: Uncertain significance for Inclusion body myopathy with early-onset Paget disease with or without frontotemporal dementia 2. Last evaluated: 2025-05-13. Review status: criteria provided, single submitter. Criteria: Invitae Variant Classification Sherloc (09022015). Collection method: clinical testing. Allele origin: germline.
Comment: This sequence change replaces serine, which is neutral and polar, with threonine, which is neutral and polar, at codon 231 of the HNRNPA2B1 protein (p.Ser231Thr). This variant is not present in population databases (gnomAD no frequency). This variant has not been reported in the literature in individuals affected with HNRNPA2B1-related conditions. Invitae Evidence Modeling of protein sequence and biophysical properties (such as structural, functional, and spatial information, amino acid conservation, physicochemical variation, residue mobility, and thermodynamic stability) indicates that this missense variant is not expected to disrupt HNRNPA2B1 protein function with a negative predictive value of 80%. In summary, the available evidence is currently insufficient to determine the role of this variant in disease. Therefore, it has been classified as a Variant of Uncertain Significance.